The following is an entry in ClinVar:

ClinVar aggregate classification (germline): Conflicting classifications of pathogenicity. Review status: criteria provided, conflicting classifications (1 of 4 stars). 10 submissions from 9 submitters: Uncertain significance (7); Likely benign (1). 2 of the submissions do not count toward it. Last evaluated 2026-08-06.

Conditions:
USH2A-related disorder. Also called: USH2A-related condition; USH2A-related disorders. Identifiers: MedGen CN239332.
Retinitis pigmentosa 39 (RP39). Identifiers: Orphanet 791, MedGen C3151138, MONDO:0013436, OMIM 613809.
Usher syndrome type 2A. Also called: USHER SYNDROME, TYPE IIA; RETINAL DISEASE IN USHER SYNDROME TYPE IIA, MODIFIER OF. Identifiers: Orphanet 231178, Orphanet 886, MedGen C1848634, MONDO:0010169, OMIM 276901.
Inborn genetic diseases. Identifiers: MedGen C0950123, MeSH D030342.

Allele frequency attached by ClinVar (database versions not stated): gnomAD exomes 0.00003; gnomAD 0.00004 and 0.00005; ExAC 0.00005; TOPMed 0.00005; 1000 Genomes Project 30x 0.00016; 1000 Genomes Project 0.00020.
gnomAD v4.1: 83 of 1,614,092 alleles (0.0051%); highest among the groups gnomAD compares: Middle Eastern, 0.033%; no homozygotes.

Submissions (10):

OLLIN Analises Genomicas, OLLIN
Classification: Uncertain significance for Usher syndrome type 2A. Last evaluated: 2026-08-06. Review status: criteria provided, single submitter. Criteria: ACMG Guidelines 2015 PMID 25741868. Collection method: clinical testing. Allele origin: germline. Inheritance: Autosomal recessive inheritance.
Comment: This missense variant, located in exon 63 (of 72), has been reported in ClinVar (accession VCV000806349.48) and in gnomAD with an allele frequency of 0.0051%. However, to our knowledge, it has not been reported in the scientific literature. In silico analysis predicts that this variant has a tolerated effect. According to the currently available evidence, this variant has been classified as uncertain significance (PM2_P, BP4).

Ambry Genetics
Classification: Likely benign for Inborn genetic diseases. Last evaluated: 2025-05-19. Review status: criteria provided, single submitter. Criteria: Ambry Variant Classification Scheme 2023. Collection method: clinical testing. Allele origin: germline.

GeneDx
Classification: Uncertain significance. Last evaluated: 2024-12-31. Review status: criteria provided, single submitter. Criteria: GeneDx Variant Classification Process June 2021. Collection method: clinical testing. Allele origin: germline. Affected: yes.
Comment: In silico analysis indicates that this missense variant does not alter protein structure/function; Has not been previously published as pathogenic or benign to our knowledge

Blueprint Genetics
Classification: Uncertain significance. Last evaluated: 2024-11-26. Review status: criteria provided, single submitter. Criteria: ACMG Guidelines, 2015. Collection method: clinical testing. Allele origin: germline.

Genome-Nilou Lab
Classification: Uncertain significance for Retinitis pigmentosa 39. Last evaluated: 2023-11-04. Review status: criteria provided, single submitter. Criteria: ACMG Guidelines, 2015. Collection method: clinical testing. Allele origin: germline. Affected: no.

Genome-Nilou Lab
Classification: Uncertain significance for Usher syndrome type 2A. Last evaluated: 2023-11-04. Review status: criteria provided, single submitter. Criteria: ACMG Guidelines, 2015. Collection method: clinical testing. Allele origin: germline. Affected: no.

Labcorp Genetics (formerly Invitae), Labcorp
Classification: Uncertain significance. Last evaluated: 2022-07-18. Review status: criteria provided, single submitter. Criteria: Invitae Variant Classification Sherloc (09022015). Collection method: clinical testing. Allele origin: germline.
Comment: This sequence change replaces arginine, which is basic and polar, with histidine, which is basic and polar, at codon 4495 of the USH2A protein (p.Arg4495His). This variant is present in population databases (rs550096037, gnomAD 0.01%). This variant has not been reported in the literature in individuals affected with USH2A-related conditions. ClinVar contains an entry for this variant (Variation ID: 806349). Algorithms developed to predict the effect of missense changes on protein structure and function output the following: SIFT: "Tolerated"; PolyPhen-2: "Benign"; Align-GVGD: "Class C0". The histidine amino acid residue is found in multiple mammalian species, which suggests that this missense change does not adversely affect protein function. In summary, the available evidence is currently insufficient to determine the role of this variant in disease. Therefore, it has been classified as a Variant of Uncertain Significance.

CeGaT Center for Human Genetics Tuebingen
Classification: Uncertain significance. Last evaluated: 2017-08-01. Review status: criteria provided, single submitter. Criteria: CeGaT Center For Human Genetics Tuebingen Variant Classification Criteria Version 2. Collection method: clinical testing. Allele origin: germline. Affected: yes. Observed: 1 variant allele.

Natera, Inc.
Classification: Uncertain significance for Usher syndrome type 2A. Last evaluated: 2020-01-27. Review status: no assertion criteria provided. Collection method: clinical testing. Allele origin: germline. Not counted in ClinVar's aggregate classification.

PreventionGenetics, part of Exact Sciences
Classification: Likely benign for USH2A-related condition. Last evaluated: 2019-02-26. Review status: no assertion criteria provided. Collection method: clinical testing. Allele origin: germline. Not counted in ClinVar's aggregate classification.
Comment: This variant is classified as likely benign based on ACMG/AMP sequence variant interpretation guidelines (Richards et al. 2015 PMID: 25741868, with internal and published modifications).

NM_206933.4(USH2A):c.13484G>A (p.Arg4495His)

Gene: USH2A (usherin; minus strand). Cytogenetic location: 1q41.
Variant type: single nucleotide variant.
Coding change: c.13484G>A on transcript NM_206933.4 (MANE Select); coding-DNA position 13484, G replaced by A.
Protein change: p.Arg4495His; replaces arginine 4495 with histidine.
Molecular consequence: missense variant.
Genome position (GRCh38, 1-based): chr1:215,674,427, C>T on the plus strand (G>A on the coding strand, the complement: USH2A is on the minus strand). VCF-style: chr1-215674427-C-T. GRCh37 (hg19) VCF-style: chr1-215847769-C-T.
Other names: short protein forms R4495H.
Identifiers: ClinVar variation 806349 (VCV000806349.51), dbSNP rs550096037, ClinGen allele CA1393282.
Genomic context (GRCh38, chr1:215,674,427, plus strand): 5'-TGGCTGTTGCTGGCAGTTACTGTGTAGCTATACTCCACACCTGGGGTGAGAGTAAAATCA[C>T]GATAGCGTGTTTCCAAGCCTGTATATACAATGGTTCCATCCCTCCTAAGTTCATAACTTC-3'
Protein context (NP_996816.3, residues 4485-4505): IVYTGLETRY[Arg4495His]DFTLTPGVEY